The following is an entry in ClinVar:

NM_001371596.2(MFSD8):c.163G>A (p.Val55Ile)

Gene: MFSD8 (major facilitator superfamily domain containing 8; minus strand). Cytogenetic location: 4q28.2.
Variant type: single nucleotide variant.
Coding change: c.163G>A on transcript NM_001371596.2 (MANE Select); coding-DNA position 163, G replaced by A.
Protein change: p.Val55Ile; replaces valine 55 with isoleucine.
Molecular consequence: missense variant.
Genome position (GRCh38, 1-based): chr4:127,949,839, C>T on the plus strand (G>A on the coding strand, the complement: MFSD8 is on the minus strand). VCF-style: chr4-127949839-C-T. GRCh37 (hg19) VCF-style: chr4-128870994-C-T.
Other names: c.163G>A, p.Val55Ile (NM_001363520.3, NM_001363521.3, NM_001371591.2 and 5 more transcripts); c.28G>A, p.Val10Ile (NM_001371590.2, NM_001371595.1, NM_001410765.1); short protein forms V10I, V55I.
Identifiers: ClinVar variation 2414634 (VCV002414634.3), dbSNP rs1407047984, ClinGen allele CA358178437.

ClinVar aggregate classification (germline): Uncertain significance (1 of 4 stars; one submission).

Conditions:
Neuronal ceroid lipofuscinosis 7 (CLN7). Also called: MFSD8-Related Neuronal Ceroid-Lipofuscinosis. Identifiers: Orphanet 168491, Orphanet 228366, MedGen C1838571, MONDO:0012588, OMIM 610951.

Allele frequency attached by ClinVar (database versions not stated): gnomAD exomes below 0.00001; TOPMed below 0.00001; gnomAD 0.00001.
gnomAD v4.1: 2 of 1,610,376 alleles (0.00012%); highest among the groups gnomAD compares: East Asian, 0.0022%; no homozygotes.

Submission:

Labcorp Genetics (formerly Invitae), Labcorp
Classification: Uncertain significance for Neuronal ceroid lipofuscinosis 7. Last evaluated: 2022-07-25. Review status: criteria provided, single submitter. Criteria: Invitae Variant Classification Sherloc (09022015). Collection method: clinical testing. Allele origin: germline.
Comment: This sequence change replaces valine, which is neutral and non-polar, with isoleucine, which is neutral and non-polar, at codon 55 of the MFSD8 protein (p.Val55Ile). This variant is not present in population databases (gnomAD no frequency). This variant has not been reported in the literature in individuals affected with MFSD8-related conditions. Algorithms developed to predict the effect of missense changes on protein structure and function output the following: SIFT: "Tolerated"; PolyPhen-2: "Benign"; Align-GVGD: "Class C0". The isoleucine amino acid residue is found in multiple mammalian species, which suggests that this missense change does not adversely affect protein function. In summary, the available evidence is currently insufficient to determine the role of this variant in disease. Therefore, it has been classified as a Variant of Uncertain Significance.